The following is an entry in ClinVar:

NM_001330078.2(NRXN1):c.3365-109897G>T

Gene: NRXN1 (neurexin 1; minus strand). Cytogenetic location: 2p16.3.
Variant type: single nucleotide variant.
Coding change: c.3365-109897G>T on transcript NM_001330078.2 (MANE Select); 109897 bases into the intron before coding-DNA position 3365, G replaced by T.
Molecular consequence: intron variant. On other transcripts: missense variant (4).
Genome position (GRCh38, 1-based): chr2:50,346,867, C>A on the plus strand (G>T on the coding strand, the complement: NRXN1 is on the minus strand). VCF-style: chr2-50346867-C-A. GRCh37 (hg19) VCF-style: chr2-50574005-C-A.
Other names: c.83G>T, p.Gly28Val (NM_001330091.2, NM_001330092.2, NM_001330097.2 and 1 more transcripts); c.3254-109897G>T (NM_001330096.2, NM_001330087.2); c.3299-109897G>T (NM_001330083.2, NM_001330084.2); c.3284-109897G>T (NM_001330088.2); c.3362-109897G>T (NM_001330093.2); c.3353-109897G>T (NM_001330094.2); c.3314-109897G>T (NM_001330095.2); c.3341-109897G>T (NM_001330082.2, NM_001330077.2); and 3 more; short protein forms G28V.
Identifiers: ClinVar variation 378298 (VCV000378298.2), dbSNP rs777054372, ClinGen allele CA16604326.

ClinVar aggregate classification (germline): Uncertain significance (1 of 4 stars; one submission).

Allele frequency attached by ClinVar (database versions not stated): TOPMed 0.00001.
gnomAD v4.1: 41 of 1,391,486 alleles (0.0029%); highest among the groups gnomAD compares: Non-Finnish European, 0.0036%; no homozygotes.

Submission:

GeneDx
Classification: Uncertain significance. Last evaluated: 2016-09-23. Review status: criteria provided, single submitter. Criteria: GeneDx Variant Classification (06012015). Collection method: clinical testing. Allele origin: germline. Affected: yes.
Comment: A variant of uncertain significance has been identified in an alternative transcript of the NRXN1 gene. The G28V variant has not been published as a pathogenic variant, nor has it been reported as a benign variant to our knowledge. It was not observed in approximately 6,400 individuals of European and African American ancestry in the NHLBI Exome Sequencing Project, indicating it is not a common benign variant in these populations. This substitution occurs at a position that is conserved across species. However, the G28V variant is a conservative amino acid substitution, which is not likely to impact secondary protein structure as these residues share similar properties. In silico analysis is inconsistent in its predictions as to whether or not the variant is damaging to the protein structure/function. Therefore, based on the currently available information, it is unclear whether this variant is a pathogenic variant or a rare benign variant.